The following is an entry in ClinVar:

ClinVar aggregate classification (germline): Conflicting classifications of pathogenicity. Review status: criteria provided, conflicting classifications (1 of 4 stars). 5 submissions from 5 submitters: Uncertain significance (4); Likely benign (1). Last evaluated 2026-06-29.

Conditions:
COL11A1-related disorder. Also called: COL11A1-related condition; COL11A1-related disorders.
Hearing impairment. Also called: Impaired Hearing. Identifiers: MedGen C1384666, MONDO:0005365, HP:0000365.

Allele frequency attached by ClinVar (database versions not stated): ExAC 0.00005; gnomAD exomes 0.00005 and 0.00006; gnomAD 0.00007; TOPMed 0.00008; ESP Exome Variant Server 0.00031.
gnomAD v4.1: 82 of 1,613,384 alleles (0.0051%); highest among the groups gnomAD compares: Non-Finnish European, 0.0068%; no homozygotes.

Submissions (5):

GeneDx
Classification: Uncertain significance. Last evaluated: 2026-06-29. Review status: criteria provided, single submitter. Criteria: GeneDx Variant Classification Process June 2021. Collection method: clinical testing. Allele origin: germline.
Comment: Has not been previously published as pathogenic or benign to our knowledge; In silico analysis supports that this missense variant has a deleterious effect on protein structure/function; Not located in the triple helical region, where the majority of pathogenic missense variants occur (HGMD; PMID: 25240749); This variant is associated with the following publications: (PMID: 25240749)

PreventionGenetics, part of Exact Sciences
Classification: Uncertain significance for COL11A1-related condition. Last evaluated: 2026-03-19. Review status: criteria provided, single submitter. Criteria: ACMG Guidelines, 2015. Collection method: clinical testing. Allele origin: germline.
Comment: The COL11A1 c.5359G>A variant is predicted to result in the amino acid substitution p.Asp1787Asn. To our knowledge, this variant has not been reported in the literature. This variant is reported in 0.013% of alleles in individuals of European (Non-Finnish) descent in gnomAD. At this time, the clinical significance of this variant is uncertain due to the absence of conclusive functional and genetic evidence.

Labcorp Genetics (formerly Invitae), Labcorp
Classification: Likely benign. Last evaluated: 2026-01-15. Review status: criteria provided, single submitter. Criteria: Invitae Variant Classification Sherloc (09022015). Collection method: clinical testing. Allele origin: germline.

Blueprint Genetics
Classification: Uncertain significance. Last evaluated: 2024-02-22. Review status: criteria provided, single submitter. Criteria: ACMG Guidelines, 2015. Collection method: clinical testing. Allele origin: germline.

Department of Otolaryngology – Head & Neck Surgery, Cochlear Implant Center
Classification: Uncertain significance for Hearing impairment. Last evaluated: 2021-04-12. Review status: criteria provided, single submitter. Criteria: ClinGen HL ACMG Specifications v1. Collection method: clinical testing. Allele origin: germline. Affected: yes.
Comment: PM2_Moderate, PP3_Supporting

NM_001854.4(COL11A1):c.5359G>A (p.Asp1787Asn)

Gene: COL11A1 (collagen type XI alpha 1 chain; minus strand). Cytogenetic location: 1p21.1.
Variant type: single nucleotide variant.
Coding change: c.5359G>A on transcript NM_001854.4 (MANE Select); coding-DNA position 5359, G replaced by A.
Protein change: p.Asp1787Asn; replaces aspartic acid 1787 with asparagine.
Molecular consequence: missense variant. On other transcripts: non-coding transcript variant (1).
Genome position (GRCh38, 1-based): chr1:102,878,081, C>T on the plus strand (G>A on the coding strand, the complement: COL11A1 is on the minus strand). VCF-style: chr1-102878081-C-T. GRCh37 (hg19) VCF-style: chr1-103343637-C-T.
Other names: c.5359G>A (NM_001854.3); c.5242G>A, p.Asp1748Asn (NM_001190709.2); c.5395G>A, p.Asp1799Asn (NM_080629.3); c.5011G>A, p.Asp1671Asn (NM_080630.4); short protein forms D1671N, D1748N, D1787N, D1799N.
Identifiers: ClinVar variation 1065032 (VCV001065032.12), dbSNP rs144510951, ClinGen allele CA973251.